The following is an entry in ClinVar:

NM_000257.4(MYH7):c.5110C>T (p.Gln1704Ter)

Genes: MHRT (myosin heavy chain associated RNA transcript; plus strand), MYH7 (myosin heavy chain 7; minus strand), LOC126861897 (BRD4-independent group 4 enhancer GRCh37_chr14:23884455-23885654; plus strand). Cytogenetic location: 14q11.2.
Variant type: single nucleotide variant.
Coding change: c.5110C>T on transcript NM_000257.4 (MANE Select); coding-DNA position 5110, C replaced by T.
Protein change: p.Gln1704Ter; replaces glutamine 1704 with a stop codon.
Molecular consequence: nonsense. On other transcripts: non-coding transcript variant (1).
Genome position (GRCh38, 1-based): chr14:23,415,676, G>A on the plus strand (C>T on the coding strand, the complement: MYH7 is on the minus strand). VCF-style: chr14-23415676-G-A. GRCh37 (hg19) VCF-style: chr14-23884885-G-A.
Other names: p.Q1704*:CAG>TAG; short protein forms Q1704*.
Identifiers: ClinVar variation 179401 (VCV000179401.5), dbSNP rs727504844, ClinGen allele CA015687.

ClinVar aggregate classification (germline): Uncertain significance. Review status: criteria provided, multiple submitters, no conflicts (2 of 4 stars). 2 submissions from 2 submitters: Uncertain significance (2). Last evaluated 2017-01-08.

Allele frequency attached by ClinVar (database versions not stated): gnomAD exomes below 0.00001.
gnomAD v4.1: 1 of 1,614,038 alleles (0.000062%); highest among the groups gnomAD compares: Non-Finnish European, 0.000085%; no homozygotes.

Submissions (2):

GeneDx
Classification: Uncertain significance. Last evaluated: 2017-01-08. Review status: criteria provided, single submitter. Criteria: GeneDx Variant Classification (06012015). Collection method: clinical testing. Allele origin: germline. Affected: yes.
Comment: p.Gln1704Stop (CAG>TAG): c.5110 C>T in exon 35 of the MYH7 gene (NM_000257.2). The Gln1704Stop variant in the MYH7 gene has not been reported as a disease-causing mutation or as benign polymorphism to our knowledge. Gln1704Stop is predicted to cause loss of normal protein function either by protein truncation or nonsense-mediated mRNA decay. Although nonsense mutations in the MYH7 gene have been reported in association with cardiomyopathy, the vast majority of mutations in MYH7 are missense changes. Furthermore, various studies have conflicting hypotheses regarding MYH7 haploinsufficiency leading to cardiomyopathy (Nishi H et al., 1995; Waldmuller S et al., 2011). With the clinical and molecular information available at this time, we cannot definitively determine if Gln1704Stop is a disease-causing mutation or a rare benign variant. The variant is found in DCM panel(s).

Laboratory for Molecular Medicine, Mass General Brigham Personalized Medicine
Classification: Uncertain significance. Last evaluated: 2013-12-27. Review status: criteria provided, single submitter. Criteria: LMM Criteria. Collection method: clinical testing. Allele origin: germline. Observed: 2 variant alleles.
Comment: Variant classified as Uncertain Significance - Favor Pathogenic. The Gln1704X va riant in MYH7 has not been reported in individuals with cardiomyopathy or in lar ge European American and African American populations (NHLBI exome sequencing pr oject). This nonsense variant leads to a premature termination codon at position 1704, which is predicted to lead to a truncated or absent protein. It should be noted that loss of function variants in the MYH7 gene are very rare and therefo re, their phenotypic spectrum is unknown. In the few reported cases with MYH7 no nsense variants, all were present in trans along with another MYH7 variant in a severely affected, young individual and in all cases the nonsense variant was in herited from an unaffected parent, suggesting that heterozygous loss of function of MYH7 may not be disease causing (Houghs 2005, Nishi 1995, LMM unpublished da ta). In summary, although this variant severely impacts the protein, additional studies are needed to fully assess its clinical significance.